The following is an entry in ClinVar:

ClinVar aggregate classification (germline): Likely pathogenic. Review status: criteria provided, multiple submitters, no conflicts (2 of 4 stars). 2 submissions from 2 submitters: Likely pathogenic (2). Last evaluated 2022-09-02.

Conditions:
Gastrointestinal stromal tumor. Also called: Gastrointestinal stroma tumor; Gastrointestinal stromal tumor, somatic. Identifiers: Orphanet 44890, MedGen C0238198, MeSH D046152, MONDO:0011719, OMIM 606764, HP:0100723.
Pheochromocytoma/paraganglioma syndrome 3. Also called: GLOMUS TUMORS, FAMILIAL, 3; SDHC-Related Hereditary Paraganglioma-Pheochromocytoma Syndrome; Paragangliomas 3; SDHC-Related Hereditary Paraganglioma-Pheochromocytoma Syndrome (Paragangliomas 3). Identifiers: Orphanet 29072, MedGen C1854336, MONDO:0011544, OMIM 605373.

Submissions (2):

Baylor Genetics
Classification: Likely pathogenic for Gastrointestinal stromal tumor. Last evaluated: 2022-09-02. Review status: criteria provided, single submitter. Criteria: ACMG Guidelines, 2015. Collection method: clinical testing. Allele origin: unknown.

Labcorp Genetics (formerly Invitae), Labcorp
Classification: Likely pathogenic for Pheochromocytoma/paraganglioma syndrome 3; Gastrointestinal stromal tumor. Last evaluated: 2021-08-28. Review status: criteria provided, single submitter. Criteria: Invitae Variant Classification Sherloc (09022015). Collection method: clinical testing. Allele origin: germline.
Comment: This sequence change affects a donor splice site in intron 3 of the SDHC gene. It is expected to disrupt RNA splicing. Variants that disrupt the donor or acceptor splice site typically lead to a loss of protein function (PMID: 16199547), and loss-of-function variants in SDHC are known to be pathogenic (PMID: 17667967, 19454582, 23282968, 24758179). This variant is not present in population databases (ExAC no frequency). This variant has not been reported in the literature in individuals affected with SDHC-related conditions. Algorithms developed to predict the effect of sequence changes on RNA splicing suggest that this variant may disrupt the consensus splice site. In summary, the currently available evidence indicates that the variant is pathogenic, but additional data are needed to prove that conclusively. Therefore, this variant has been classified as Likely Pathogenic.

Literature cited by the submitters: PubMed 16199547 (cited by Labcorp Genetics (formerly Invitae), Labcorp); PubMed 17667967 (cited by Labcorp Genetics (formerly Invitae), Labcorp); PubMed 19454582 (cited by Labcorp Genetics (formerly Invitae), Labcorp); PubMed 23282968 (cited by Labcorp Genetics (formerly Invitae), Labcorp); PubMed 24758179 (cited by Labcorp Genetics (formerly Invitae), Labcorp).

NM_003001.5(SDHC):c.179+1G>T

Gene: SDHC (succinate dehydrogenase complex subunit C; plus strand). Cytogenetic location: 1q23.3.
Variant type: single nucleotide variant.
Coding change: c.179+1G>T on transcript NM_003001.5 (MANE Select); the canonical splice donor site of the intron after coding-DNA position 179, G replaced by T.
Molecular consequence: splice donor variant. On other transcripts: intron variant (4).
Genome position (GRCh38, 1-based): chr1:161,328,498, G>T. VCF-style: chr1-161328498-G-T. GRCh37 (hg19) VCF-style: chr1-161298288-G-T.
Other names: c.77+4828G>T (NM_001278172.3, NM_001407118.1, NM_001035512.3); c.122+1G>T (NM_001407116.1, NM_001407121.1, NM_001407117.1); c.21-12096G>T (NM_001035513.3); c.68+1G>T (NM_001407119.1, NM_001407120.1); c.179+1G>T (NM_001407115.1, NM_001035511.3).
Identifiers: ClinVar variation 1472122 (VCV001472122.8), dbSNP rs1057517818, ClinGen allele CA343361390.